The following is an entry in ClinVar:

ClinVar aggregate classification (germline): Likely pathogenic (1 of 4 stars; one submission).

Conditions:
3M syndrome 1. Also called: 3-M Syndrome, CUL7-Related. Identifiers: Orphanet 2616, MedGen C2678312, MONDO:0010117, OMIM 273750.

Submission:

Dubai Health Genomic Medicine Center, Dubai Health
Classification: Likely pathogenic for 3M syndrome 1. Last evaluated: 2024-10-04. Review status: criteria provided, single submitter. Criteria: ACMG Guidelines, 2015. Collection method: research. Allele origin: germline. Affected: yes.
Comment: PVS1,PM2

NM_014780.5(CUL7):c.2836C>T (p.Gln946Ter)

Gene: CUL7 (cullin 7; minus strand). Cytogenetic location: 6p21.1.
Variant type: single nucleotide variant.
Coding change: c.2836C>T on transcript NM_014780.5 (MANE Select); coding-DNA position 2836, C replaced by T.
Protein change: p.Gln946Ter; replaces glutamine 946 with a stop codon.
Molecular consequence: nonsense.
Genome position (GRCh38, 1-based): chr6:43,045,613, G>A on the plus strand (C>T on the coding strand, the complement: CUL7 is on the minus strand). VCF-style: chr6-43045613-G-A. GRCh37 (hg19) VCF-style: chr6-43013351-G-A.
Other names: c.2932C>T, p.Gln978Ter (NM_001168370.2, NM_001374872.1); c.2836C>T, p.Gln946Ter (NM_001374873.1, NM_001374874.1); short protein forms Q946*, Q978*.
Identifiers: ClinVar variation 3384103 (VCV003384103.1).